The following is an entry in ClinVar:

ClinVar aggregate classification (germline): Uncertain significance (1 of 4 stars; one submission).

Conditions:
Carnitine palmitoyl transferase 1A deficiency. Also called: Carnitine palmitoyltransferase type I deficiency; CPT deficiency, hepatic, type IA; CPT I DEFICIENCY; CPT DEFICIENCY, HEPATIC, TYPE I; Carnitine palmitoyltransferase 1A deficiency. Identifiers: Orphanet 156, MedGen C1829703, MONDO:0009705, OMIM 255120.

Submission:

Labcorp Genetics (formerly Invitae), Labcorp
Classification: Uncertain significance for Carnitine palmitoyl transferase 1A deficiency. Last evaluated: 2025-11-04. Review status: criteria provided, single submitter. Criteria: Invitae Variant Classification Sherloc (09022015). Collection method: clinical testing. Allele origin: germline.
Comment: This sequence change replaces glutamine, which is neutral and polar, with histidine, which is basic and polar, at codon 624 of the CPT1A protein (p.Gln624His). This variant is not present in population databases (gnomAD no frequency). This variant has not been reported in the literature in individuals affected with CPT1A-related conditions. ClinVar contains an entry for this variant (Variation ID: 3613759). Invitae Evidence Modeling of protein sequence and biophysical properties (such as structural, functional, and spatial information, amino acid conservation, physicochemical variation, residue mobility, and thermodynamic stability) indicates that this missense variant is not expected to disrupt CPT1A protein function with a negative predictive value of 95%. In summary, the available evidence is currently insufficient to determine the role of this variant in disease. Therefore, it has been classified as a Variant of Uncertain Significance.

NM_001876.4(CPT1A):c.1872G>C (p.Gln624His)

Gene: CPT1A (carnitine palmitoyltransferase 1A; minus strand). Cytogenetic location: 11q13.3.
Variant type: single nucleotide variant.
Coding change: c.1872G>C on transcript NM_001876.4 (MANE Select); coding-DNA position 1872, G replaced by C.
Protein change: p.Gln624His; replaces glutamine 624 with histidine.
Molecular consequence: missense variant.
Genome position (GRCh38, 1-based): chr11:68,762,630, C>G on the plus strand (G>C on the coding strand, the complement: CPT1A is on the minus strand). VCF-style: chr11-68762630-C-G. GRCh37 (hg19) VCF-style: chr11-68530098-C-G.
Other names: c.1872G>C, p.Gln624His (NM_001031847.3); short protein forms Q624H.
Identifiers: ClinVar variation 3613759 (VCV003613759.2).
Genomic context (GRCh38, chr11:68,762,630, plus strand): 5'-AAGCCTTTTAGGGAAGTGTGACAAGCACGTTGTGTCCTCAGCCTGATGGCACATTACCGT[C>G]TGGGCCGGGTCCACCATGGCCCGCACGAAGTCGCATGACTCAGTGGTGCAGGAGCGCACG-3'
Protein context (NP_001867.2, residues 614-634): DFVRAMVDPA[Gln624His]TVEQRLKLFK